The following is an entry in ClinVar:

NM_000642.3(AGL):c.782T>C (p.Val261Ala)

Gene: AGL (amylo-alpha-1,6-glucosidase and 4-alpha-glucanotransferase; plus strand). Cytogenetic location: 1p21.2.
Variant type: single nucleotide variant.
Coding change: c.782T>C on transcript NM_000642.3 (MANE Select); coding-DNA position 782, T replaced by C.
Protein change: p.Val261Ala; replaces valine 261 with alanine.
Molecular consequence: missense variant.
Genome position (GRCh38, 1-based): chr1:99,870,517, T>C. VCF-style: chr1-99870517-T-C. GRCh37 (hg19) VCF-style: chr1-100336073-T-C.
Other names: c.782T>C, p.Val261Ala (NM_000028.3, NM_000643.3, NM_000644.3 and 3 more transcripts); c.734T>C, p.Val245Ala (NM_000646.3); c.578T>C, p.Val193Ala (NM_001425328.1, NM_001425329.1); c.404T>C, p.Val135Ala (NM_001425332.1); short protein forms V261A, V245A, V135A, V193A.
Identifiers: ClinVar variation 2081916 (VCV002081916.3), dbSNP rs1571243125, ClinGen allele CA341339970.

ClinVar aggregate classification (germline): Uncertain significance (1 of 4 stars; one submission).

Conditions:
Glycogen storage disease type III (GSD3). Also called: Cori disease; FORBES DISEASE. Identifiers: Orphanet 366, MedGen C0017922, MONDO:0009291, OMIM 232400.

Submission:

Labcorp Genetics (formerly Invitae), Labcorp
Classification: Uncertain significance for Glycogen storage disease type III. Last evaluated: 2023-08-24. Review status: criteria provided, single submitter. Criteria: Invitae Variant Classification Sherloc (09022015). Collection method: clinical testing. Allele origin: germline.
Comment: In summary, the available evidence is currently insufficient to determine the role of this variant in disease. Therefore, it has been classified as a Variant of Uncertain Significance. Advanced modeling of protein sequence and biophysical properties (such as structural, functional, and spatial information, amino acid conservation, physicochemical variation, residue mobility, and thermodynamic stability) performed at Invitae indicates that this missense variant is not expected to disrupt AGL protein function. ClinVar contains an entry for this variant (Variation ID: 2081916). This variant has not been reported in the literature in individuals affected with AGL-related conditions. This variant is not present in population databases (gnomAD no frequency). This sequence change replaces valine, which is neutral and non-polar, with alanine, which is neutral and non-polar, at codon 261 of the AGL protein (p.Val261Ala).